The following is an entry in ClinVar:

ClinVar aggregate classification (germline): Uncertain significance. Review status: criteria provided, multiple submitters, no conflicts (2 of 4 stars). 3 submissions from 3 submitters: Uncertain significance (3). Last evaluated 2025-05-06.

Conditions:
LRP2-related disorder. Also called: LRP2-related condition.
Donnai-Barrow syndrome. Also called: DBS/FOAR SYNDROME; FACIOOCULOACOUSTICORENAL SYNDROME. Identifiers: Orphanet 2143, MedGen C1857277, MONDO:0009104, OMIM 222448.

Allele frequency attached by ClinVar (database versions not stated): gnomAD exomes 0.00005; ExAC 0.00006; gnomAD 0.00008 and 0.00009; TOPMed 0.00008.
gnomAD v4.1: 125 of 1,613,730 alleles (0.0077%); highest among the groups gnomAD compares: Non-Finnish European, 0.0097%; no homozygotes.

Submissions (3):

PreventionGenetics, part of Exact Sciences
Classification: Uncertain significance for LRP2-related condition. Last evaluated: 2025-05-06. Review status: criteria provided, single submitter. Criteria: ACMG Guidelines, 2015. Collection method: clinical testing. Allele origin: germline.
Comment: The LRP2 c.4604T>C variant is predicted to result in the amino acid substitution p.Val1535Ala. To our knowledge, this variant has not been reported in the literature. This variant is reported in 0.012% of alleles in individuals of European (Non-Finnish) descent in gnomAD. At this time, the clinical significance of this variant is uncertain due to the absence of conclusive functional and genetic evidence.

Fulgent Genetics
Classification: Uncertain significance for Donnai-Barrow syndrome. Last evaluated: 2024-02-25. Review status: criteria provided, single submitter. Criteria: ACMG Guidelines, 2015. Collection method: clinical testing. Allele origin: germline.

Labcorp Genetics (formerly Invitae), Labcorp
Classification: Uncertain significance. Last evaluated: 2022-08-23. Review status: criteria provided, single submitter. Criteria: Invitae Variant Classification Sherloc (09022015). Collection method: clinical testing. Allele origin: germline.
Comment: This sequence change replaces valine, which is neutral and non-polar, with alanine, which is neutral and non-polar, at codon 1535 of the LRP2 protein (p.Val1535Ala). This variant is present in population databases (rs754354761, gnomAD 0.01%). This variant has not been reported in the literature in individuals affected with LRP2-related conditions. ClinVar contains an entry for this variant (Variation ID: 1503825). Advanced modeling of protein sequence and biophysical properties (such as structural, functional, and spatial information, amino acid conservation, physicochemical variation, residue mobility, and thermodynamic stability) performed at Invitae indicates that this missense variant is expected to disrupt LRP2 protein function. In summary, the available evidence is currently insufficient to determine the role of this variant in disease. Therefore, it has been classified as a Variant of Uncertain Significance.

NM_004525.3(LRP2):c.4604T>C (p.Val1535Ala)

Gene: LRP2 (LDL receptor related protein 2; minus strand). Cytogenetic location: 2q31.1.
Variant type: single nucleotide variant.
Coding change: c.4604T>C on transcript NM_004525.3 (MANE Select); coding-DNA position 4604, T replaced by C.
Protein change: p.Val1535Ala; replaces valine 1535 with alanine.
Molecular consequence: missense variant.
Genome position (GRCh38, 1-based): chr2:169,237,190, A>G on the plus strand (T>C on the coding strand, the complement: LRP2 is on the minus strand). VCF-style: chr2-169237190-A-G. GRCh37 (hg19) VCF-style: chr2-170093700-A-G.
Other names: c.4604T>C (NM_004525.2); short protein forms V1535A.
Identifiers: ClinVar variation 1503825 (VCV001503825.6), dbSNP rs754354761, ClinGen allele CA1954766.